The following is an entry in ClinVar:

NM_001128148.3(TFRC):c.607G>A (p.Val203Ile)

Gene: TFRC (transferrin receptor; minus strand). Cytogenetic location: 3q29.
Variant type: single nucleotide variant.
Coding change: c.607G>A on transcript NM_001128148.3 (MANE Select); coding-DNA position 607, G replaced by A.
Protein change: p.Val203Ile; replaces valine 203 with isoleucine.
Molecular consequence: missense variant. On other transcripts: 5 prime UTR variant (1).
Genome position (GRCh38, 1-based): chr3:196,071,476, C>T on the plus strand (G>A on the coding strand, the complement: TFRC is on the minus strand). VCF-style: chr3-196071476-C-T. GRCh37 (hg19) VCF-style: chr3-195798347-C-T.
Other names: c.364G>A, p.Val122Ile (NM_001313965.2); c.-240G>A (NM_001313966.2); c.607G>A, p.Val203Ile (NM_003234.4); short protein forms V122I, V203I.
Identifiers: ClinVar variation 2980836 (VCV002980836.3), dbSNP rs1718201049, ClinGen allele CA355575359.
Genomic context (GRCh38, chr3:196,071,476, plus strand): 5'-TATACGCCACATAACCCCCAGGATTCTCCACCAGGTAAACAAGTCTACCGTTCTTATCAA[C>T]TATGATCACCGAGTTTTGAGCGCTGTTAAAAAGATTAAGTTAAAATAAGCCTAAGGTCAT-3'
Protein context (NP_001121620.1, residues 193-213): KDSAQNSVII[Val203Ile]DKNGRLVYLV

ClinVar aggregate classification (germline): Uncertain significance (1 of 4 stars; one submission).

Allele frequency attached by ClinVar (database versions not stated): gnomAD exomes 0.00001.
gnomAD v4.1: 15 of 1,614,098 alleles (0.00093%); highest among the groups gnomAD compares: South Asian, 0.0033%; no homozygotes.

Submission:

Labcorp Genetics (formerly Invitae), Labcorp
Classification: Uncertain significance. Last evaluated: 2024-06-09. Review status: criteria provided, single submitter. Criteria: Invitae Variant Classification Sherloc (09022015). Collection method: clinical testing. Allele origin: germline.
Comment: This sequence change replaces valine, which is neutral and non-polar, with isoleucine, which is neutral and non-polar, at codon 203 of the TFRC protein (p.Val203Ile). This variant is not present in population databases (gnomAD no frequency). This variant has not been reported in the literature in individuals affected with TFRC-related conditions. Advanced modeling of protein sequence and biophysical properties (such as structural, functional, and spatial information, amino acid conservation, physicochemical variation, residue mobility, and thermodynamic stability) performed at Invitae indicates that this missense variant is not expected to disrupt TFRC protein function with a negative predictive value of 80%. In summary, the available evidence is currently insufficient to determine the role of this variant in disease. Therefore, it has been classified as a Variant of Uncertain Significance.